The following is an entry in ClinVar:

ClinVar aggregate classification (germline): Uncertain significance (1 of 4 stars; one submission).

Submission:

Labcorp Genetics (formerly Invitae), Labcorp
Classification: Uncertain significance. Last evaluated: 2025-11-17. Review status: criteria provided, single submitter. Criteria: Invitae Variant Classification Sherloc (09022015). Collection method: clinical testing. Allele origin: germline.
Comment: This sequence change falls in intron 15 of the CTNNA1 gene. It does not directly change the encoded amino acid sequence of the CTNNA1 protein. It affects a nucleotide within the consensus splice site. This variant is not present in population databases (gnomAD no frequency). This variant has not been reported in the literature in individuals affected with CTNNA1-related conditions. ClinVar contains an entry for this variant (Variation ID: 959167). Variants that disrupt the consensus splice site are a relatively common cause of aberrant splicing (PMID: 17576681, 9536098). Algorithms developed to predict the effect of sequence changes on RNA splicing suggest that this variant may disrupt the consensus splice site. In summary, the available evidence is currently insufficient to determine the role of this variant in disease. Therefore, it has been classified as a Variant of Uncertain Significance.

Literature cited by the submitters: PubMed 17576681; PubMed 9536098.

NM_001903.5(CTNNA1):c.2193-3C>G

Gene: CTNNA1 (catenin alpha 1; plus strand). Cytogenetic location: 5q31.2.
Variant type: single nucleotide variant.
Coding change: c.2193-3C>G on transcript NM_001903.5 (MANE Select); 3 bases into the intron before coding-DNA position 2193, C replaced by G.
Molecular consequence: intron variant.
Genome position (GRCh38, 1-based): chr5:138,930,827, C>G. VCF-style: chr5-138930827-C-G. GRCh37 (hg19) VCF-style: chr5-138266516-C-G.
Other names: c.2193-3C>G (NM_001323982.2, NM_001323984.2, NM_001290307.3 and 2 more transcripts); c.2100-3C>G (NM_001323986.2); c.1824-3C>G (NM_001290310.3); c.1884-3C>G (NM_001290309.3); c.1083-3C>G (NM_001323996.1, NM_001323993.1, NM_001324005.1 and 17 more transcripts); c.744-3C>G (NM_001324007.1, NM_001324009.1, NM_001324006.1 and 2 more transcripts); c.840-3C>G (NM_001324013.1, NM_001324012.1); c.990-3C>G (NM_001324011.1).
Identifiers: ClinVar variation 959167 (VCV000959167.9), dbSNP rs747626630, ClinGen allele CA1139659075.